The following is an entry in ClinVar:

ClinVar aggregate classification (germline): Conflicting classifications of pathogenicity. Review status: criteria provided, conflicting classifications (1 of 4 stars). 9 submissions from 9 submitters: Uncertain significance (1); Likely benign (7). 1 of the submissions does not count toward it. Last evaluated 2026-05-01.

Conditions:
3-methylcrotonyl-CoA carboxylase 1 deficiency (MCC1D). Also called: MCC 1 deficiency; 3 Alpha methylcrotonylglycinuria 1; MCCD TYPE 1; METHYLCROTONYLGLYCINURIA TYPE I. Identifiers: Orphanet 6, MedGen CN028786, MONDO:0008861, OMIM 210200.

Allele frequency attached by ClinVar (database versions not stated): TOPMed 0.00066; ESP Exome Variant Server 0.00115.
gnomAD v4.1: 1,214 of 1,614,166 alleles (0.075%); highest among the groups gnomAD compares: Non-Finnish European, 0.091%; 2 homozygotes.

Submissions (9):

CeGaT Center for Human Genetics Tuebingen
Classification: Likely benign. Last evaluated: 2026-05-01. Review status: criteria provided, single submitter. Criteria: CeGaT Center For Human Genetics Tuebingen Variant Classification Criteria Version 2. Collection method: clinical testing. Allele origin: germline. Affected: yes. Observed: 3 variant alleles.
Comment: MCCC1: BP4, BP7

Labcorp Genetics (formerly Invitae), Labcorp
Classification: Likely benign for 3-methylcrotonyl-CoA carboxylase 1 deficiency. Last evaluated: 2026-01-28. Review status: criteria provided, single submitter. Criteria: Invitae Variant Classification Sherloc (09022015). Collection method: clinical testing. Allele origin: germline.

Women's Health and Genetics/Laboratory Corporation of America, LabCorp
Classification: Likely benign. Last evaluated: 2025-05-06. Review status: criteria provided, single submitter. Criteria: LabCorp Variant Classification Summary - May 2015. Collection method: clinical testing. Allele origin: germline.

Blueprint Genetics
Classification: Likely benign. Last evaluated: 2024-10-28. Review status: criteria provided, single submitter. Criteria: ACMG Guidelines, 2015. Collection method: clinical testing. Allele origin: germline.

Genome-Nilou Lab
Classification: Likely benign for 3-methylcrotonyl-CoA carboxylase 1 deficiency. Last evaluated: 2021-05-18. Review status: criteria provided, single submitter. Criteria: ACMG Guidelines, 2015. Collection method: clinical testing. Allele origin: germline. Affected: no.

Illumina Laboratory Services, Illumina
Classification: Uncertain significance for 3-methylcrotonyl-CoA carboxylase 1 deficiency. Last evaluated: 2018-01-13. Review status: criteria provided, single submitter. Criteria: ICSL Variant Classification Criteria 13 December 2019. Collection method: clinical testing. Allele origin: germline.

GeneDx
Classification: Likely benign. Last evaluated: 2017-10-13. Review status: criteria provided, single submitter. Criteria: GeneDx Variant Classification (06012015). Collection method: clinical testing. Allele origin: germline. Affected: yes.
Comment: This variant is considered likely benign or benign based on one or more of the following criteria: it is a conservative change, it occurs at a poorly conserved position in the protein, it is predicted to be benign by multiple in silico algorithms, and/or has population frequency not consistent with disease.

PreventionGenetics, part of Exact Sciences
Classification: Likely benign. Review status: criteria provided, single submitter. Criteria: ACMG Guidelines, 2015. Collection method: clinical testing. Allele origin: germline.

Natera, Inc.
Classification: Likely benign for 3-methylcrotonyl-CoA carboxylase 1 deficiency. Last evaluated: 2019-11-11. Review status: no assertion criteria provided. Collection method: clinical testing. Allele origin: germline. Not counted in ClinVar's aggregate classification.

NM_020166.5(MCCC1):c.231G>A (p.Ala77=)

Gene: MCCC1 (methylcrotonyl-CoA carboxylase subunit 1; minus strand). Cytogenetic location: 3q27.1.
Variant type: single nucleotide variant.
Coding change: c.231G>A on transcript NM_020166.5 (MANE Select); coding-DNA position 231, G replaced by A.
Protein change: p.Ala77=; no amino-acid change (alanine 77 retained).
Molecular consequence: synonymous variant. On other transcripts: non-coding transcript variant (1), intron variant (2).
Genome position (GRCh38, 1-based): chr3:183,092,451, C>T on the plus strand (G>A on the coding strand, the complement: MCCC1 is on the minus strand). VCF-style: chr3-183092451-C-T. GRCh37 (hg19) VCF-style: chr3-182810239-C-T.
Other names: c.-55+2108G>A (NM_001363880.1); c.44+2108G>A (NM_001293273.2).
Identifiers: ClinVar variation 261208 (VCV000261208.46), dbSNP rs144230304, ClinGen allele CA2719162.